The following is an entry in ClinVar:

ClinVar aggregate classification (germline): Likely benign. Review status: criteria provided, multiple submitters, no conflicts (2 of 4 stars). 5 submissions from 5 submitters: Likely benign (5). Last evaluated 2025-11-17.

Conditions:
Catecholaminergic polymorphic ventricular tachycardia (CVPT). Also called: Catecholamine-induced polymorphic ventricular tachycardia. Identifiers: Orphanet 3286, MedGen C5574922, MONDO:0017990.
Cardiovascular phenotype. Identifiers: MedGen CN230736.
Cardiomyopathy (CMYO). Also called: Cardiomyopathies. Identifiers: Orphanet 167848, MedGen C0878544, MONDO:0004994, HP:0001638. Inheritance: Various modes of inheritance.
Catecholaminergic polymorphic ventricular tachycardia 1. Also called: RYR2-Related Catecholaminergic Polymorphic Ventricular Tachycardia; VENTRICULAR TACHYCARDIA, STRESS-INDUCED POLYMORPHIC 1; VENTRICULAR TACHYCARDIA, CATECHOLAMINERGIC POLYMORPHIC, 1, WITH OR WITHOUT ATRIAL DYSFUNCTION AND/OR DILATED CARDIOMYOPATHY. Identifiers: Orphanet 3286, MedGen C1631597, MONDO:0011484, OMIM 604772.

Allele frequency attached by ClinVar (database versions not stated): ExAC below 0.00001; gnomAD 0.00001; gnomAD exomes 0.00003 and 0.00007; TOPMed 0.00005.
gnomAD v4.1: 17 of 1,572,812 alleles (0.0011%); highest among the groups gnomAD compares: Admixed American, 0.029%; no homozygotes.

Submissions (5):

Labcorp Genetics (formerly Invitae), Labcorp
Classification: Likely benign for Catecholaminergic polymorphic ventricular tachycardia 1. Last evaluated: 2025-11-17. Review status: criteria provided, single submitter. Criteria: Invitae Variant Classification Sherloc (09022015). Collection method: clinical testing. Allele origin: germline.

All of Us Research Program, National Institutes of Health
Classification: Likely benign for Catecholaminergic polymorphic ventricular tachycardia. Last evaluated: 2024-02-05. Review status: criteria provided, single submitter. Criteria: ACMG Guidelines, 2015. Collection method: clinical testing. Allele origin: germline. Inheritance: Autosomal dominant inheritance. Observed: 8 variant alleles, 8 heterozygotes.
Comment: This study involves interpretation of variants in research participants for the purpose of population health screening. Participant phenotype was not available at the time of variant classification. Additional details can be found in publication PMID: 35346344, PMCID: PMC8962531

Ambry Genetics
Classification: Likely benign for Cardiovascular phenotype. Last evaluated: 2024-01-11. Review status: criteria provided, single submitter. Criteria: Ambry Variant Classification Scheme 2023. Collection method: clinical testing. Allele origin: germline.

Color Diagnostics, LLC DBA Color Health
Classification: Likely benign for Cardiomyopathy. Last evaluated: 2019-08-26. Review status: criteria provided, single submitter. Criteria: ACMG Guidelines, 2015. Collection method: clinical testing. Allele origin: germline.

GeneDx
Classification: Likely benign. Last evaluated: 2016-10-31. Review status: criteria provided, single submitter. Criteria: GeneDx Variant Classification (06012015). Collection method: clinical testing. Allele origin: germline. Affected: yes.
Comment: This variant is considered likely benign or benign based on one or more of the following criteria: it is a conservative change, it occurs at a poorly conserved position in the protein, it is predicted to be benign by multiple in silico algorithms, and/or has population frequency not consistent with disease.

NM_001035.3(RYR2):c.2745C>T (p.His915=)

Gene: RYR2 (ryanodine receptor 2; plus strand). Cytogenetic location: 1q43.
Variant type: single nucleotide variant.
Coding change: c.2745C>T on transcript NM_001035.3 (MANE Select); coding-DNA position 2745, C replaced by T.
Protein change: p.His915=; no amino-acid change (histidine 915 retained).
Molecular consequence: synonymous variant.
Genome position (GRCh38, 1-based): chr1:237,511,714, C>T. VCF-style: chr1-237511714-C-T. GRCh37 (hg19) VCF-style: chr1-237675014-C-T.
Other names: c.2745C>T, p.His915= (LRG_402t1).
Identifiers: ClinVar variation 379367 (VCV000379367.17), dbSNP rs754398749, ClinGen allele CA086191.